The following continues an entry in ClinVar:

NM_000059.4(BRCA2):c.9117G>A (p.Pro3039=)

Gene: BRCA2. ClinVar aggregate classification (germline): Pathogenic. Pathogenic (1).

Submissions 17 to 39 of 42:

Sema4
Classification: Pathogenic for Hereditary cancer-predisposing syndrome. Last evaluated: 2021-07-01. Review status: criteria provided, single submitter. Criteria: Sema4 Curation Guidelines. Collection method: curation. Allele origin: germline. Not counted in ClinVar's aggregate classification.
Comment: The BRCA2 c.9117G>A (p.P3039=) variant has been reported in heterozygosity in numerous individuals with breast, ovarian, and prostate cancers (PMID: 25186627, 28477318, 28724667, 28825054, 29176636, 32393398). This variant is also known as 9345G>A in the literature.Functional studies have shown that this variant alters splicing leading to a skipping of exon 23 and creation of a premature stop codon at amino acid 2985 (PMID: 10638982, 17011978, 23451180 ). At this location, this is predicted to result in absent protein (loss of function). Loss of function variants in BRCA2 are known to be pathogenic (PMID: 29446198). This variant was observed in 1/111660 chromosomes in the Non-Finnish European population according to the Genome Aggregation Database (PMID: 32461654). This variant has been reported in ClinVar (Variation ID: 38215). Based on the current evidence available, this variant is interpreted as pathogenic.

Women's Health and Genetics/Laboratory Corporation of America, LabCorp
Classification: Pathogenic for Hereditary breast and ovarian cancer syndrome. Last evaluated: 2020-10-08. Review status: criteria provided, single submitter. Criteria: LabCorp Variant Classification Summary - May 2015. Collection method: clinical testing. Allele origin: germline. Not counted in ClinVar's aggregate classification.
Comment: Variant summary: BRCA2 c.9117G>A (p.Pro3039Pro) alters a conserved nucleotide located close to a canonical splice site and therefore could affect mRNA splicing, leading to a significantly altered protein sequence. Several computational tools predict a significant impact on normal splicing: Two predict that the variant abolishes a 5' splicing donor site. Multiple publications report experimental evidence that this variant affects mRNA splicing (e.g. Bonatti_2006, Acedo_2012, Houdayer_2012, Colombo_2013). The variant allele was found at a frequency of 4e-06 in 248378 control chromosomes. c.9117G>A has been reported in the literature in many individuals affected with Hereditary Breast And Ovarian Cancer Syndrome (e.g. Peelen_2000, Meindl_2002, Bonatti_2006, Novakovic_2012, Nakamura_2013, Corman_2016, Barrios_2017). These data indicate that the variant is very likely to be associated with disease. 17 other ClinVar submitters, including an expert panel (evaluation after 2014) cite the variant as pathogenic. Based on the evidence outlined above, the variant was classified as pathogenic.

Genomic Research Center, Shahid Beheshti University of Medical Sciences
Classification: Pathogenic for Breast-ovarian cancer, familial 2. Last evaluated: 2020-05-03. Review status: criteria provided, single submitter. Criteria: ACMG Guidelines, 2015. Collection method: clinical testing. Allele origin: unknown. Affected: yes. Not counted in ClinVar's aggregate classification.

Department of Molecular Diagnostics, Institute of Oncology Ljubljana
Classification: Pathogenic for Breast-ovarian cancer, familial, susceptibility to, 1. Last evaluated: 2020-04-02. Review status: criteria provided, single submitter. Criteria: ACMG Guidelines, 2015. Collection method: clinical testing. Allele origin: germline. Affected: yes. Not counted in ClinVar's aggregate classification.

Department of Pathology and Laboratory Medicine, Sinai Health System
Classification: Pathogenic for BRCA2-related cancer predisposition. Last evaluated: 2020-01-10. Review status: criteria provided, single submitter. Criteria: ACMG Guidelines, 2015. Collection method: clinical testing. Allele origin: germline. Not counted in ClinVar's aggregate classification.

Mendelics
Classification: Pathogenic for Breast-ovarian cancer, familial, susceptibility to, 2. Last evaluated: 2019-05-28. Review status: criteria provided, single submitter. Criteria: Mendelics Assertion Criteria 2017. Collection method: clinical testing. Allele origin: unknown. Not counted in ClinVar's aggregate classification.

Fulgent Genetics
Classification: Pathogenic for Familial cancer of breast; Medulloblastoma; Familial prostate cancer; Wilms tumor 1; Fanconi anemia complementation group D1; Breast-ovarian cancer, familial, susceptibility to, 2; Glioma susceptibility 3; Pancreatic cancer, susceptibility to, 2. Last evaluated: 2018-10-31. Review status: criteria provided, single submitter. Criteria: ACMG Guidelines, 2015. Collection method: clinical testing. Allele origin: unknown. Not counted in ClinVar's aggregate classification.

Human Genome Sequencing Center Clinical Lab, Baylor College of Medicine
Classification: Pathogenic for Breast-ovarian cancer, familial, susceptibility to, 2. Last evaluated: 2017-05-25. Review status: criteria provided, single submitter. Criteria: ACMG Guidelines, 2015. Collection method: clinical testing. Allele origin: germline. Not counted in ClinVar's aggregate classification.
Comment: The c.9117G>A (p.Pro3039Pro) variant in the BRCA2 gene has been detected in multiple patients and families with breast and/or ovarian cancer [PMID 10638982 reported as 3398delAAAAG, 27000661] and a cohort of patients with prostate cancer [PMID 23035815, reported as c.9117 G>A (p.Val2985fs)]. The nucleotide position 9117 is the last nucleotide of exon 23. Several in vitro assays showed that the change leads aberrant splicing and the skipping of exon 23 [PMID 22505045, 23451180]. This variant is thus predicted to result in a loss of function of the protein. This variant has not been reported in the ExAC database. This variant thus classified as pathogenic.

Fulgent Genetics
Classification: Pathogenic for Familial cancer of breast; Medulloblastoma; Familial prostate cancer; Esophageal atresia/tracheoesophageal fistula; Wilms tumor 1; Fanconi anemia complementation group D1; Breast-ovarian cancer, familial, susceptibility to, 2; Glioma susceptibility 3; Pancreatic cancer, susceptibility to, 2. Last evaluated: 2017-05-18. Review status: criteria provided, single submitter. Criteria: ACMG Guidelines, 2015. Collection method: clinical testing. Allele origin: unknown. Not counted in ClinVar's aggregate classification.

Clinical Genetics and Genomics, Karolinska University Hospital
Classification: Pathogenic. Last evaluated: 2016-11-03. Review status: criteria provided, single submitter. Criteria: ACMG Guidelines, 2015. Collection method: clinical testing. Allele origin: germline. Affected: yes. Observed: 1 variant allele. Not counted in ClinVar's aggregate classification.

Department of Medical Genetics, Oslo University Hospital
Classification: Pathogenic for Breast-ovarian cancer, familial, susceptibility to, 2. Last evaluated: 2015-11-02. Review status: criteria provided, single submitter. Criteria: ACMG Guidelines, 2015. Collection method: clinical testing. Allele origin: germline. Affected: yes. Observed: 5 variant alleles. Not counted in ClinVar's aggregate classification.

Consortium of Investigators of Modifiers of BRCA1/2 (CIMBA), c/o University of Cambridge
Classification: Pathogenic for Breast-ovarian cancer, familial, susceptibility to, 2. Last evaluated: 2015-10-02. Review status: criteria provided, single submitter. Criteria: CIMBA Mutation Classification guidelines May 2016. Collection method: clinical testing. Allele origin: germline. Not counted in ClinVar's aggregate classification.

Clinical Genetics DNA and cytogenetics Diagnostics Lab, Erasmus MC, Erasmus Medical Center
Classification: Pathogenic for Breast-ovarian cancer, familial, susceptibility to, 2. Last evaluated: 2015-09-21. Review status: criteria provided, single submitter. Criteria: ACGS Guidelines, 2013. Collection method: clinical testing. Allele origin: germline. Affected: yes. Study: VKGL Data-share Consensus. Not counted in ClinVar's aggregate classification.

Fulgent Genetics
Classification: Pathogenic for Breast-ovarian cancer, familial, susceptibility to, 2. Last evaluated: 2015-09-18. Review status: criteria provided, single submitter. Criteria: ACMG Guidelines, 2015. Collection method: clinical testing. Allele origin: unknown. Not counted in ClinVar's aggregate classification.

Genome Diagnostics Laboratory, University Medical Center Utrecht
Classification: Pathogenic for Breast-ovarian cancer, familial, susceptibility to, 2. Last evaluated: 2014-10-10. Review status: criteria provided, single submitter. Criteria: ACGS Guidelines, 2013. Collection method: clinical testing. Allele origin: germline. Affected: yes. Study: VKGL Data-share Consensus. Not counted in ClinVar's aggregate classification.

BRCAlab, Lund University
Classification: Pathogenic for Breast-ovarian cancer, familial, susceptibility to, 2. Last evaluated: 2022-08-26. Review status: no assertion criteria provided. Collection method: clinical testing. Allele origin: germline. Affected: yes. Not counted in ClinVar's aggregate classification.

Medical Genetics Laboratory, Umraniye Training and Research Hospital, University of Health Sciences
Classification: Pathogenic for Breast carcinoma. Last evaluated: 2021-08-09. Review status: no assertion criteria provided. Collection method: clinical testing. Allele origin: germline. Inheritance: Autosomal dominant inheritance. Affected: yes. Not counted in ClinVar's aggregate classification.
Comment: Diagnosis: Breast cancer Pathology: Invasive ductal breast carcinoma IHC: ER:+, PR:+, HER2:-

Laboratory for Genotyping Development, RIKEN
Classification: Pathogenic for Gastric cancer. Last evaluated: 2021-07-01. Review status: no assertion criteria provided. Collection method: research. Allele origin: germline. Not counted in ClinVar's aggregate classification.

King Laboratory, University of Washington
Classification: Pathogenic for Hereditary breast and ovarian cancer syndrome; Breast-ovarian cancer, familial 2. Last evaluated: 2019-09-01. Review status: no assertion criteria provided. Collection method: research. Allele origin: germline. Affected: yes. Not counted in ClinVar's aggregate classification.
Comment: Transcript analysis by cBROCA

Counsyl
Classification: Pathogenic for Breast-ovarian cancer, familial, susceptibility to, 2. Last evaluated: 2016-02-03. Review status: no assertion criteria provided. Collection method: clinical testing. Allele origin: unknown. Not counted in ClinVar's aggregate classification.

Research Molecular Genetics Laboratory, Women's College Hospital, University of Toronto
Classification: Pathogenic for Hereditary breast ovarian cancer syndrome. Last evaluated: 2014-01-31. Review status: no assertion criteria provided. Collection method: research. Allele origin: germline. Affected: yes. Study: The Canadian Open Genetics Repository (COGR). Not counted in ClinVar's aggregate classification.

Sharing Clinical Reports Project (SCRP)
Classification: Pathogenic for Breast-ovarian cancer, familial 2. Last evaluated: 2013-08-31. Review status: no assertion criteria provided. Collection method: clinical testing. Allele origin: germline. Not counted in ClinVar's aggregate classification.

Breast Cancer Information Core (BIC) (BRCA2)
Classification: Pathogenic for Breast-ovarian cancer, familial 2. Last evaluated: 2004-02-20. Review status: no assertion criteria provided. Collection method: clinical testing. Allele origin: germline, unknown. Affected: yes. Observed: 14 variant alleles. Not counted in ClinVar's aggregate classification.